The following is an entry in ClinVar:

NM_000617.3(SLC11A2):c.416G>A (p.Arg139His)

Gene: SLC11A2 (solute carrier family 11 member 2; minus strand). Cytogenetic location: 12q13.12.
Variant type: single nucleotide variant.
Coding change: c.416G>A on transcript NM_000617.3 (MANE Select); coding-DNA position 416, G replaced by A.
Protein change: p.Arg139His; replaces arginine 139 with histidine.
Molecular consequence: missense variant. On other transcripts: non-coding transcript variant (10).
Genome position (GRCh38, 1-based): chr12:51,004,801, C>T on the plus strand (G>A on the coding strand, the complement: SLC11A2 is on the minus strand). VCF-style: chr12-51004801-C-T. GRCh37 (hg19) VCF-style: chr12-51398584-C-T.
Other names: c.503G>A, p.Arg168His (NM_001174125.2, NM_001379446.1, NM_001379455.1); c.416G>A, p.Arg139His (NM_001174126.2, NM_001174127.2, NM_001174128.2 and 5 more transcripts); c.404G>A, p.Arg135His (NM_001174130.2, NM_001379448.1); c.305G>A, p.Arg102His (NM_001414747.1, NM_001414748.1); c.179G>A, p.Arg60His (NM_001414749.1, NM_001414750.1); short protein forms R102H, R135H, R139H, R168H, R60H.
Identifiers: ClinVar variation 2662191 (VCV002662191.1), dbSNP rs368158015, ClinGen allele CA6566778.

ClinVar aggregate classification (germline): Uncertain significance (1 of 4 stars; one submission).

Allele frequency attached by ClinVar (database versions not stated): gnomAD exomes 0.00002; ExAC 0.00003; gnomAD 0.00003; TOPMed 0.00003; ESP Exome Variant Server 0.00008.
gnomAD v4.1: 27 of 1,613,784 alleles (0.0017%); highest among the groups gnomAD compares: Middle Eastern, 0.016%; no homozygotes.

Submission:

GeneDx
Classification: Uncertain significance. Last evaluated: 2023-05-03. Review status: criteria provided, single submitter. Criteria: GeneDx Variant Classification Process June 2021. Collection method: clinical testing. Allele origin: germline. Affected: yes.
Comment: In silico analysis supports that this missense variant has a deleterious effect on protein structure/function; Has not been previously published as pathogenic or benign to our knowledge